The following is an entry in ClinVar:

ClinVar aggregate classification (germline): Uncertain significance. Review status: criteria provided, multiple submitters, no conflicts (2 of 4 stars). 2 submissions from 2 submitters: Uncertain significance (2). Last evaluated 2024-10-22.

gnomAD v4.1: 9 of 1,534,328 alleles (0.00059%); highest among the groups gnomAD compares: Non-Finnish European, 0.0007%; no homozygotes.

Submissions (2):

Labcorp Genetics (formerly Invitae), Labcorp
Classification: Uncertain significance. Last evaluated: 2024-10-22. Review status: criteria provided, single submitter. Criteria: Invitae Variant Classification Sherloc (09022015). Collection method: clinical testing. Allele origin: germline.
Comment: This sequence change replaces tryptophan, which is neutral and slightly polar, with serine, which is neutral and polar, at codon 50 of the NEFH protein (p.Trp50Ser). This variant is not present in population databases (gnomAD no frequency). This variant has not been reported in the literature in individuals affected with NEFH-related conditions. Invitae Evidence Modeling of protein sequence and biophysical properties (such as structural, functional, and spatial information, amino acid conservation, physicochemical variation, residue mobility, and thermodynamic stability) indicates that this missense variant is not expected to disrupt NEFH protein function with a negative predictive value of 95%. In summary, the available evidence is currently insufficient to determine the role of this variant in disease. Therefore, it has been classified as a Variant of Uncertain Significance.

Mayo Clinic Laboratories, Mayo Clinic
Classification: Uncertain significance. Last evaluated: 2024-03-08. Review status: criteria provided, single submitter. Criteria: ACMG Guidelines, 2015. Collection method: clinical testing. Allele origin: germline. Observed: 1 variant allele.

NM_021076.4(NEFH):c.149G>C (p.Trp50Ser)

Gene: NEFH (neurofilament heavy chain; plus strand). Cytogenetic location: 22q12.2.
Variant type: single nucleotide variant.
Coding change: c.149G>C on transcript NM_021076.4 (MANE Select); coding-DNA position 149, G replaced by C.
Protein change: p.Trp50Ser; replaces tryptophan 50 with serine.
Molecular consequence: missense variant.
Genome position (GRCh38, 1-based): chr22:29,480,411, G>C. VCF-style: chr22-29480411-G-C. GRCh37 (hg19) VCF-style: chr22-29876400-G-C.
Other names: p.Trp50Ser; short protein forms W50S.
Identifiers: ClinVar variation 3380703 (VCV003380703.3).